The following is an entry in ClinVar:

NM_006766.5(KAT6A):c.2672C>T (p.Thr891Met)

Gene: KAT6A (lysine acetyltransferase 6A; minus strand). Cytogenetic location: 8p11.21.
Variant type: single nucleotide variant.
Coding change: c.2672C>T on transcript NM_006766.5 (MANE Select); coding-DNA position 2672, C replaced by T.
Protein change: p.Thr891Met; replaces threonine 891 with methionine.
Molecular consequence: missense variant.
Genome position (GRCh38, 1-based): chr8:41,941,209, G>A on the plus strand (C>T on the coding strand, the complement: KAT6A is on the minus strand). VCF-style: chr8-41941209-G-A. GRCh37 (hg19) VCF-style: chr8-41798727-G-A.
Other names: short protein forms T891M.
Identifiers: ClinVar variation 1285736 (VCV001285736.10), dbSNP rs575371774, ClinGen allele CA4729859.

ClinVar aggregate classification (germline): Conflicting classifications of pathogenicity. Review status: criteria provided, conflicting classifications (1 of 4 stars). 5 submissions from 5 submitters: Uncertain significance (1); Benign (3); Likely benign (1). Last evaluated 2026-07-01.

Conditions:
Inborn genetic diseases. Identifiers: MedGen C0950123, MeSH D030342.
Autosomal dominant intellectual disability-craniofacial anomalies-cardiac defects syndrome (ARTHS). Also called: KAT6A syndrome; Mental retardation, autosomal dominant 32; Arboleda-Tham syndrome. Identifiers: Orphanet 457193, MedGen C4225396, MONDO:0014558, OMIM 616268.

Allele frequency attached by ClinVar (database versions not stated): gnomAD 0.00005 and 0.00010; TOPMed 0.00005; 1000 Genomes Project 30x 0.00016; gnomAD exomes 0.00017 and 0.00031; 1000 Genomes Project 0.00020; ExAC 0.00037.
gnomAD v4.1: 265 of 1,614,074 alleles (0.016%); highest among the groups gnomAD compares: South Asian, 0.2%; 2 homozygotes.

Submissions (5):

CeGaT Center for Human Genetics Tuebingen
Classification: Likely benign. Last evaluated: 2026-07-01. Review status: criteria provided, single submitter. Criteria: CeGaT Center For Human Genetics Tuebingen Variant Classification Criteria Version 2. Collection method: clinical testing. Allele origin: germline. Affected: yes. Observed: 1 variant allele.
Comment: KAT6A: BP4, BS1

Labcorp Genetics (formerly Invitae), Labcorp
Classification: Benign. Last evaluated: 2026-01-29. Review status: criteria provided, single submitter. Criteria: Invitae Variant Classification Sherloc (09022015). Collection method: clinical testing. Allele origin: germline.

GeneDx
Classification: Benign. Last evaluated: 2021-02-07. Review status: criteria provided, single submitter. Criteria: GeneDx Variant Classification Process June 2021. Collection method: clinical testing. Allele origin: germline. Affected: yes.

Department of Pathology and Laboratory Medicine, Sinai Health System
Classification: Benign for Autosomal dominant intellectual disability-craniofacial anomalies-cardiac defects syndrome. Last evaluated: 2020-05-11. Review status: criteria provided, single submitter. Criteria: ACMG Guidelines, 2015. Collection method: research. Allele origin: germline.

Ambry Genetics
Classification: Uncertain significance for Inborn genetic diseases. Last evaluated: 2017-09-14. Review status: criteria provided, single submitter. Criteria: Ambry Variant Classification Scheme 2023. Collection method: clinical testing. Allele origin: germline.
Comment: The p.T891M variant (also known as c.2672C>T), located in coding exon 14 of the KAT6A gene, results from a C to T substitution at nucleotide position 2672. The threonine at codon 891 is replaced by methionine, an amino acid with similar properties. This amino acid position is not well conserved in available vertebrate species. In addition, this alteration is predicted to be tolerated by in silico analysis. Since supporting evidence is limited at this time, the clinical significance of this alteration remains unclear.